The following is an entry in ClinVar:

NM_007227.3(GPR45):c.844C>T (p.Pro282Ser)

Gene: GPR45 (G protein-coupled receptor 45; plus strand). Cytogenetic location: 2q12.1.
Variant type: single nucleotide variant.
Coding change: c.844C>T on transcript NM_007227.3 (MANE Select); coding-DNA position 844, C replaced by T.
Protein change: p.Pro282Ser; replaces proline 282 with serine.
Molecular consequence: missense variant.
Genome position (GRCh38, 1-based): chr2:105,242,702, C>T. VCF-style: chr2-105242702-C-T. GRCh37 (hg19) VCF-style: chr2-105859159-C-T.
Other names: short protein forms P282S.
Identifiers: ClinVar variation 2118799 (VCV002118799.4), dbSNP rs1676374827, ClinGen allele CA348101347.

ClinVar aggregate classification (germline): Uncertain significance (1 of 4 stars; one submission).

Allele frequency attached by ClinVar (database versions not stated): TOPMed below 0.00001; gnomAD 0.00001.

Submission:

Labcorp Genetics (formerly Invitae), Labcorp
Classification: Uncertain significance. Last evaluated: 2022-03-28. Review status: criteria provided, single submitter. Criteria: Invitae Variant Classification Sherloc (09022015). Collection method: clinical testing. Allele origin: germline.
Comment: In summary, the available evidence is currently insufficient to determine the role of this variant in disease. Therefore, it has been classified as a Variant of Uncertain Significance. Algorithms developed to predict the effect of missense changes on protein structure and function (SIFT, PolyPhen-2, Align-GVGD) all suggest that this variant is likely to be disruptive. This variant has not been reported in the literature in individuals affected with GPR45-related conditions. This variant is not present in population databases (gnomAD no frequency). This sequence change replaces proline, which is neutral and non-polar, with serine, which is neutral and polar, at codon 282 of the GPR45 protein (p.Pro282Ser).